The following is an entry in ClinVar:

NM_015221.4(DNMBP):c.2261-21093G>A

Genes: DNMBP (dynamin binding protein; minus strand), DNMBP-AS1 (DNMBP antisense RNA 1; plus strand). Cytogenetic location: 10q24.2.
Variant type: single nucleotide variant.
Coding change: c.2261-21093G>A on transcript NM_015221.4 (MANE Select); 21093 bases into the intron before coding-DNA position 2261, G replaced by A.
Molecular consequence: intron variant. On other transcripts: synonymous variant (1).
Genome position (GRCh38, 1-based): chr10:99,930,239, C>T on the plus strand (G>A on the coding strand, the complement: DNMBP is on the minus strand). VCF-style: chr10-99930239-C-T. GRCh37 (hg19) VCF-style: chr10-101689996-C-T.
Other names: c.525G>A, p.Gln175= (NM_001318326.2); c.2261-21093G>A (NM_001441288.1, NM_001441287.1).
Identifiers: ClinVar variation 4820947 (VCV004820947.4).

ClinVar aggregate classification (germline): Likely benign (1 of 4 stars; one submission).

gnomAD v4.1: 232 of 702,788 alleles (0.033%); highest among the groups gnomAD compares: Non-Finnish European, 0.051%; 1 homozygote.

Submission:

CeGaT Center for Human Genetics Tuebingen
Classification: Likely benign. Last evaluated: 2026-03-01. Review status: criteria provided, single submitter. Criteria: CeGaT Center For Human Genetics Tuebingen Variant Classification Criteria Version 2. Collection method: clinical testing. Allele origin: germline. Affected: yes. Observed: 1 variant allele.
Comment: DNMBP: BP4, BP7